The following is an entry in ClinVar:

NM_001127222.2(CACNA1A):c.1027C>T (p.Leu343Phe)

Genes: CACNA1A (calcium voltage-gated channel subunit alpha1 A; minus strand), LOC126862866 (MED14-independent group 3 enhancer GRCh37_chr19:13445719-13446918; plus strand). Cytogenetic location: 19p13.13.
Variant type: single nucleotide variant.
Coding change: c.1027C>T on transcript NM_001127222.2 (MANE Select); coding-DNA position 1027, C replaced by T.
Protein change: p.Leu343Phe; replaces leucine 343 with phenylalanine.
Molecular consequence: missense variant.
Genome position (GRCh38, 1-based): chr19:13,335,861, G>A on the plus strand (C>T on the coding strand, the complement: CACNA1A is on the minus strand). VCF-style: chr19-13335861-G-A. GRCh37 (hg19) VCF-style: chr19-13446675-G-A.
Other names: c.1027C>T, p.Leu343Phe (NM_000068.4, NM_001127221.2, NM_001174080.2 and 1 more transcripts); short protein forms L343F.
Identifiers: ClinVar variation 1694900 (VCV001694900.31), dbSNP rs2145140491, ClinGen allele CA404346776.

ClinVar aggregate classification (germline): Uncertain significance (1 of 4 stars; one submission).

Submission:

CeGaT Center for Human Genetics Tuebingen
Classification: Uncertain significance. Last evaluated: 2022-04-01. Review status: criteria provided, single submitter. Criteria: CeGaT Center For Human Genetics Tuebingen Variant Classification Criteria Version 2. Collection method: clinical testing. Allele origin: germline. Affected: yes. Observed: 1 variant allele.
Comment: CACNA1A: PM2, PP2, PP4